The following is an entry in ClinVar:

ClinVar aggregate classification (germline): Pathogenic (1 of 4 stars; one submission).

Conditions:
Retinoblastoma (RB1). Also called: RETINOBLASTOMA, SOMATIC. Identifiers: Orphanet 790, MedGen C0035335, MeSH D012175, MONDO:0008380, OMIM 180200, HP:0009919. Disease mechanism: loss of function. Inheritance: Both sporadic and heritable forms are tested..

Submission:

Labcorp Genetics (formerly Invitae), Labcorp
Classification: Pathogenic for Retinoblastoma. Last evaluated: 2023-02-01. Review status: criteria provided, single submitter. Criteria: Invitae Variant Classification Sherloc (09022015). Collection method: clinical testing. Allele origin: germline.
Comment: This sequence change affects a donor splice site in intron 1 of the RB1 gene. It is expected to disrupt RNA splicing. Variants that disrupt the donor or acceptor splice site typically lead to a loss of protein function (PMID: 16199547), and loss-of-function variants in RB1 are known to be pathogenic (PMID: 17096365). This variant is not present in population databases (gnomAD no frequency). Disruption of this splice site has been observed in individual(s) with bilateral retinoblastoma and/or osteosarcoma (PMID: 15776430, 16463005, 24225018). Algorithms developed to predict the effect of sequence changes on RNA splicing suggest that this variant may disrupt the consensus splice site. For these reasons, this variant has been classified as Pathogenic.

Literature cited by the submitters: PubMed 16199547; PubMed 17096365; PubMed 15776430; PubMed 16463005; PubMed 24225018.

NM_000321.3(RB1):c.137+2T>G

Gene: RB1 (RB transcriptional corepressor 1; plus strand). Cytogenetic location: 13q14.2.
Variant type: single nucleotide variant.
Coding change: c.137+2T>G on transcript NM_000321.3 (MANE Select); the canonical splice donor site of the intron after coding-DNA position 137, T replaced by G.
Molecular consequence: splice donor variant.
Genome position (GRCh38, 1-based): chr13:48,304,051, T>G. VCF-style: chr13-48304051-T-G. GRCh37 (hg19) VCF-style: chr13-48878187-T-G.
Other names: c.137+2T>G (NM_001407165.1, NM_001407166.1, NM_001407167.1).
Identifiers: ClinVar variation 2736012 (VCV002736012.3), dbSNP rs2138028105, ClinGen allele CA388250411.